The following is an entry in ClinVar:

NM_001161352.2(KCNMA1):c.1925G>A (p.Ser642Asn)

Gene: KCNMA1 (potassium calcium-activated channel subfamily M alpha 1; minus strand). Cytogenetic location: 10q22.3.
Variant type: single nucleotide variant.
Coding change: c.1925G>A on transcript NM_001161352.2 (MANE Select); coding-DNA position 1925, G replaced by A.
Protein change: p.Ser642Asn; replaces serine 642 with asparagine.
Molecular consequence: missense variant.
Genome position (GRCh38, 1-based): chr10:77,027,826, C>T on the plus strand (G>A on the coding strand, the complement: KCNMA1 is on the minus strand). VCF-style: chr10-77027826-C-T. GRCh37 (hg19) VCF-style: chr10-78787584-C-T.
Other names: c.1925G>A, p.Ser642Asn (NM_001014797.3, NM_001161353.2, NM_001271519.2 and 8 more transcripts); c.1763G>A, p.Ser588Asn (NM_001271518.2); c.1385G>A, p.Ser462Asn (NM_001322838.2); short protein forms S462N, S588N, S642N.
Identifiers: ClinVar variation 2042693 (VCV002042693.4), dbSNP rs776841605, ClinGen allele CA210091923.

ClinVar aggregate classification (germline): Uncertain significance (1 of 4 stars; one submission).

Conditions:
Generalized epilepsy-paroxysmal dyskinesia syndrome (PNKD3). Also called: Generalized epilepsy and paroxysmal dyskinesia; Paroxysmal nonkinesigenic dyskinesia, 3, with or without generalized epilepsy. Identifiers: Orphanet 79137, MedGen C5574945, MONDO:0012276, OMIM 609446.

Allele frequency attached by ClinVar (database versions not stated): gnomAD exomes below 0.00001.
gnomAD v4.1: 4 of 1,613,878 alleles (0.00025%); highest among the groups gnomAD compares: Non-Finnish European, 0.00034%; no homozygotes.

Submission:

Labcorp Genetics (formerly Invitae), Labcorp
Classification: Uncertain significance for Generalized epilepsy-paroxysmal dyskinesia syndrome. Last evaluated: 2022-10-13. Review status: criteria provided, single submitter. Criteria: Invitae Variant Classification Sherloc (09022015). Collection method: clinical testing. Allele origin: germline.
Comment: This sequence change replaces serine, which is neutral and polar, with asparagine, which is neutral and polar, at codon 642 of the KCNMA1 protein (p.Ser642Asn). This variant is not present in population databases (gnomAD no frequency). This variant has not been reported in the literature in individuals affected with KCNMA1-related conditions. Advanced modeling of protein sequence and biophysical properties (such as structural, functional, and spatial information, amino acid conservation, physicochemical variation, residue mobility, and thermodynamic stability) performed at Invitae indicates that this missense variant is not expected to disrupt KCNMA1 protein function. In summary, the available evidence is currently insufficient to determine the role of this variant in disease. Therefore, it has been classified as a Variant of Uncertain Significance.